The following is an entry in ClinVar:

ClinVar aggregate classification (germline): Uncertain significance (1 of 4 stars; one submission).

Allele frequency attached by ClinVar (database versions not stated): gnomAD exomes below 0.00001; gnomAD 0.00001.
gnomAD v4.1: 3 of 1,567,330 alleles (0.00019%); highest among the groups gnomAD compares: Admixed American, 0.0017%; no homozygotes.

Submission:

Labcorp Genetics (formerly Invitae), Labcorp
Classification: Uncertain significance. Last evaluated: 2024-10-24. Review status: criteria provided, single submitter. Criteria: Invitae Variant Classification Sherloc (09022015). Collection method: clinical testing. Allele origin: germline.
Comment: This sequence change replaces methionine, which is neutral and non-polar, with valine, which is neutral and non-polar, at codon 210 of the SCP2 protein (p.Met210Val). This variant is not present in population databases (gnomAD no frequency). This variant has not been reported in the literature in individuals affected with SCP2-related conditions. An algorithm developed to predict the effect of missense changes on protein structure and function (PolyPhen-2) suggests that this variant is likely to be tolerated. In summary, the available evidence is currently insufficient to determine the role of this variant in disease. Therefore, it has been classified as a Variant of Uncertain Significance.

NM_002979.5(SCP2):c.628A>G (p.Met210Val)

Gene: SCP2 (sterol carrier protein 2; plus strand). Cytogenetic location: 1p32.3.
Variant type: single nucleotide variant.
Coding change: c.628A>G on transcript NM_002979.5 (MANE Select); coding-DNA position 628, A replaced by G.
Protein change: p.Met210Val; replaces methionine 210 with valine.
Molecular consequence: missense variant.
Genome position (GRCh38, 1-based): chr1:52,976,723, A>G. VCF-style: chr1-52976723-A-G. GRCh37 (hg19) VCF-style: chr1-53442395-A-G.
Other names: c.496A>G, p.Met166Val (NM_001007098.3, NM_001193600.2); c.556A>G, p.Met186Val (NM_001193599.2); c.385A>G, p.Met129Val (NM_001193617.2); c.628A>G, p.Met210Val (NM_001330587.2); short protein forms M129V, M166V, M210V, M186V.
Identifiers: ClinVar variation 2787881 (VCV002787881.3), dbSNP rs1658003213, ClinGen allele CA340380653.